The following is an entry in ClinVar:

NM_000388.4(CASR):c.2885G>A (p.Cys962Tyr)

Gene: CASR (calcium sensing receptor; plus strand). Cytogenetic location: 3q21.1.
Variant type: single nucleotide variant.
Coding change: c.2885G>A on transcript NM_000388.4 (MANE Select); coding-DNA position 2885, G replaced by A.
Protein change: p.Cys962Tyr; replaces cysteine 962 with tyrosine.
Molecular consequence: missense variant.
Genome position (GRCh38, 1-based): chr3:122,284,839, G>A. VCF-style: chr3-122284839-G-A. GRCh37 (hg19) VCF-style: chr3-122003686-G-A.
Other names: c.2915G>A, p.Cys972Tyr (NM_001178065.2); short protein forms C962Y, C972Y.
Identifiers: ClinVar variation 3231560 (VCV003231560.3), dbSNP rs1309620055, ClinGen allele CA354160980.

ClinVar aggregate classification (germline): Uncertain significance. Review status: criteria provided, multiple submitters, no conflicts (2 of 4 stars). 2 submissions from 2 submitters: Uncertain significance (2). Last evaluated 2024-02-15.

Conditions:
Familial hypocalciuric hypercalcemia (FHH). Also called: Familial benign hypercalcemia. Identifiers: Orphanet 405, MedGen C1809471, MONDO:0018458.
Autosomal dominant hypocalcemia 1 (HYPOC1). Also called: HYPOCALCEMIA, FAMILIAL. Identifiers: MedGen C3715128, MONDO:0011013, OMIM 601198.
Nephrolithiasis/nephrocalcinosis. Identifiers: MedGen CN580796.

Allele frequency attached by ClinVar (database versions not stated): gnomAD exomes below 0.00001; TOPMed below 0.00001; gnomAD 0.00001.
gnomAD v4.1: 4 of 1,614,070 alleles (0.00025%); highest among the groups gnomAD compares: Non-Finnish European, 0.00034%; no homozygotes.

Submissions (2):

Labcorp Genetics (formerly Invitae), Labcorp
Classification: Uncertain significance for Familial hypocalciuric hypercalcemia; Autosomal dominant hypocalcemia 1. Last evaluated: 2024-02-15. Review status: criteria provided, single submitter. Criteria: Invitae Variant Classification Sherloc (09022015). Collection method: clinical testing. Allele origin: germline.
Comment: This sequence change replaces cysteine, which is neutral and slightly polar, with tyrosine, which is neutral and polar, at codon 962 of the CASR protein (p.Cys962Tyr). This variant is present in population databases (no rsID available, gnomAD 0.0009%). This variant has not been reported in the literature in individuals affected with CASR-related conditions. An algorithm developed to predict the effect of missense changes on protein structure and function (PolyPhen-2) suggests that this variant is likely to be disruptive. In summary, the available evidence is currently insufficient to determine the role of this variant in disease. Therefore, it has been classified as a Variant of Uncertain Significance.

Ambry Genetics
Classification: Uncertain significance for Nephrolithiasis/nephrocalcinosis. Last evaluated: 2023-09-07. Review status: criteria provided, single submitter. Criteria: Ambry Variant Classification Scheme 2023. Collection method: clinical testing. Allele origin: germline.
Comment: The p.C962Y variant (also known as c.2885G>A), located in coding exon 6 of the CASR gene, results from a G to A substitution at nucleotide position 2885. The cysteine at codon 962 is replaced by tyrosine, an amino acid with highly dissimilar properties. This amino acid position is conserved. In addition, the in silico prediction for this alteration is inconclusive. Since supporting evidence is limited at this time, the clinical significance of this alteration remains unclear.